The following is an entry in ClinVar:

NM_002662.5(PLD1):c.2429+4del

Gene: PLD1 (phospholipase D1; minus strand). Cytogenetic location: 3q26.31.
Variant type: Deletion.
Coding change: c.2429+4del on transcript NM_002662.5 (MANE Select); 4 bases into the intron after coding-DNA position 2429, one base deleted (A; older notation c.2429+4delA).
Molecular consequence: intron variant.
Genome position (GRCh38, 1-based): chr3:171,659,209, T deleted on the plus strand (A on the coding strand, the reverse complement: PLD1 is on the minus strand); the first of 2 consecutive T bases (chr3:171,659,209-171,659,210); deleting either gives the same sequence. VCF-style (leftmost placement, unchanged base first): chr3-171659208-GT-G. GRCh37 (hg19) VCF-style: chr3-171376998-GT-G.
Other names: c.2315+4del (NM_001130081.3).
Identifiers: ClinVar variation 3040790 (VCV003040790.2), dbSNP rs2473751818, ClinGen allele CA2530397499.
Genomic context (GRCh38, chr3:171,659,208, plus strand): 5'-CAAAGTCATTTTAGTAATAAATACAAGAACATCTGCAGCGAGAACTCTCAGCCAAAGGCT[GT>G]TACCTGTGAGCTTTCAGGATCCTCTGGGCAATGGCATCGCCTATCTTGTTGAACACAACT-3'

ClinVar aggregate classification (germline): Likely benign (0 of 4 stars; one submission).

Conditions:
PLD1-related disorder. Also called: PLD1-related condition.

Submission:

PreventionGenetics, part of Exact Sciences
Classification: Likely benign for PLD1-related condition. Last evaluated: 2019-09-17. Review status: no assertion criteria provided. Collection method: clinical testing. Allele origin: germline.
Comment: This variant is classified as likely benign based on ACMG/AMP sequence variant interpretation guidelines (Richards et al. 2015 PMID: 25741868, with internal and published modifications).